The following is an entry in ClinVar:

NM_001042492.3(NF1):c.8500A>G (p.Ser2834Gly)

Gene: NF1 (neurofibromin 1; plus strand). Cytogenetic location: 17q11.2.
Variant type: single nucleotide variant.
Coding change: c.8500A>G on transcript NM_001042492.3 (MANE Select); coding-DNA position 8500, A replaced by G.
Protein change: p.Ser2834Gly; replaces serine 2834 with glycine.
Molecular consequence: missense variant.
Genome position (GRCh38, 1-based): chr17:31,374,135, A>G. VCF-style: chr17-31374135-A-G. GRCh37 (hg19) VCF-style: chr17-29701153-A-G.
Other names: c.8437A>G, p.Ser2813Gly (NM_000267.4); short protein forms S2834G, S2813G.
Identifiers: ClinVar variation 484079 (VCV000484079.15), dbSNP rs764858484, ClinGen allele CA8487828.

ClinVar aggregate classification (germline): Conflicting classifications of pathogenicity. Review status: criteria provided, conflicting classifications (1 of 4 stars). 5 submissions from 5 submitters: Uncertain significance (4); Likely benign (1). Last evaluated 2025-05-19.

Conditions:
Cardiovascular phenotype. Identifiers: MedGen CN230736.
Hereditary cancer-predisposing syndrome. Also called: Hereditary neoplastic syndrome; Neoplastic Syndromes, Hereditary; Tumor predisposition; Hereditary Cancer Syndrome. Identifiers: Orphanet 140162, MedGen C0027672, MeSH D009386, MONDO:0015356.
Juvenile myelomonocytic leukemia (JMML). Also called: LEUKEMIA, JUVENILE MYELOMONOCYTIC, SOMATIC. Identifiers: Orphanet 86834, MedGen C0349639, MONDO:0011908, OMIM 607785, HP:0012209.
Neurofibromatosis, type 1 (NF1). Also called: VON RECKLINGHAUSEN DISEASE; Peripheral type neurofibromatosis; NEUROFIBROMATOSIS, TYPE I, SOMATIC; Neurofibromatosis, type I. Identifiers: Orphanet 636, MedGen C0027831, MONDO:0018975, OMIM 162200. Disease mechanism: loss of function.

Allele frequency attached by ClinVar (database versions not stated): gnomAD exomes below 0.00001; ExAC 0.00001; gnomAD 0.00001.
gnomAD v4.1: 2 of 1,613,964 alleles (0.00012%); highest among the groups gnomAD compares: Non-Finnish European, 0.000085%; no homozygotes.

Submissions (5):

Labcorp Genetics (formerly Invitae), Labcorp
Classification: Likely benign for Neurofibromatosis, type 1. Last evaluated: 2025-05-19. Review status: criteria provided, single submitter. Criteria: Invitae Variant Classification Sherloc (09022015). Collection method: clinical testing. Allele origin: germline.

Ambry Genetics
Classification: Uncertain significance for Cardiovascular phenotype; Hereditary cancer-predisposing syndrome. Last evaluated: 2024-08-17. Review status: criteria provided, single submitter. Criteria: Ambry Variant Classification Scheme 2023. Collection method: clinical testing. Allele origin: germline.
Comment: The p.S2813G variant (also known as c.8437A>G), located in coding exon 57 of the NF1 gene, results from an A to G substitution at nucleotide position 8437. The serine at codon 2813 is replaced by glycine, an amino acid with similar properties. This amino acid position is highly conserved in available vertebrate species. In addition, this alteration is predicted to be tolerated by in silico analysis. Since supporting evidence is limited at this time, the clinical significance of this alteration remains unclear.

Baylor Genetics
Classification: Uncertain significance for Juvenile myelomonocytic leukemia. Last evaluated: 2024-01-29. Review status: criteria provided, single submitter. Criteria: ACMG Guidelines, 2015. Collection method: clinical testing. Allele origin: unknown.

Genome-Nilou Lab
Classification: Uncertain significance for Neurofibromatosis, type 1. Last evaluated: 2022-03-15. Review status: criteria provided, single submitter. Criteria: ACMG Guidelines, 2015. Collection method: clinical testing. Allele origin: germline. Affected: no.

GeneDx
Classification: Uncertain significance. Last evaluated: 2021-03-29. Review status: criteria provided, single submitter. Criteria: GeneDx Variant Classification Process June 2021. Collection method: clinical testing. Allele origin: germline. Affected: yes.
Comment: Not observed in large population cohorts (Lek et al., 2016); In silico analysis supports that this missense variant does not alter protein structure/function; Has not been previously published as pathogenic or benign to our knowledge